The following is an entry in ClinVar:

NM_005733.3(KIF20A):c.1087C>T (p.Arg363Cys)

Gene: KIF20A (kinesin family member 20A; plus strand). Cytogenetic location: 5q31.2.
Variant type: single nucleotide variant.
Coding change: c.1087C>T on transcript NM_005733.3 (MANE Select); coding-DNA position 1087, C replaced by T.
Protein change: p.Arg363Cys; replaces arginine 363 with cysteine.
Molecular consequence: missense variant.
Genome position (GRCh38, 1-based): chr5:138,183,529, C>T. VCF-style: chr5-138183529-C-T. GRCh37 (hg19) VCF-style: chr5-137519218-C-T.
Other names: c.1087C>T (NM_005733.2); short protein forms R363C.
Identifiers: ClinVar variation 3626036 (VCV003626036.3).

ClinVar aggregate classification (germline): Uncertain significance. Review status: criteria provided, multiple submitters, no conflicts (2 of 4 stars). 2 submissions from 2 submitters: Uncertain significance (2). Last evaluated 2025-08-24.

gnomAD v4.1: 126 of 1,613,968 alleles (0.0078%); highest among the groups gnomAD compares: Middle Eastern, 0.016%; no homozygotes.

Submissions (2):

Ambry Genetics
Classification: Uncertain significance. Last evaluated: 2025-08-24. Review status: criteria provided, single submitter. Criteria: Ambry Variant Classification Scheme 2023. Collection method: clinical testing. Allele origin: germline.

Labcorp Genetics (formerly Invitae), Labcorp
Classification: Uncertain significance. Last evaluated: 2025-08-07. Review status: criteria provided, single submitter. Criteria: Invitae Variant Classification Sherloc (09022015). Collection method: clinical testing. Allele origin: germline.
Comment: This sequence change replaces arginine, which is basic and polar, with cysteine, which is neutral and slightly polar, at codon 363 of the KIF20A protein (p.Arg363Cys). This variant is present in population databases (rs202142584, gnomAD 0.004%). This variant has not been reported in the literature in individuals affected with KIF20A-related conditions. ClinVar contains an entry for this variant (Variation ID: 3626036). An algorithm developed to predict the effect of missense changes on protein structure and function (PolyPhen-2) suggests that this variant is likely to be disruptive. In summary, the available evidence is currently insufficient to determine the role of this variant in disease. Therefore, it has been classified as a Variant of Uncertain Significance.